The following is an entry in ClinVar:

ClinVar aggregate classification (germline): Uncertain significance (1 of 4 stars; one submission).

Conditions:
Developmental and epileptic encephalopathy, 74. Also called: EPILEPTIC ENCEPHALOPATHY, EARLY INFANTILE, 74. Identifiers: MedGen C5193074, MONDO:0032725, OMIM 618396.

Submission:

Centre for Mendelian Genomics, University Medical Centre Ljubljana
Classification: Uncertain significance for Developmental and epileptic encephalopathy, 74. Last evaluated: 2020-02-24. Review status: criteria provided, single submitter. Criteria: ACMG Guidelines, 2015. Collection method: clinical testing. Allele origin: unknown. Affected: yes.
Comment: This variant was classified as: Uncertain significance. The available evidence favors the pathogenic nature of this variant, however the currently available data is insufficient to conclusively support its pathogenic nature. Thus this variant is classified as Uncertain significance - favor pathogenic. The following ACMG criteria were applied in classifying this variant: PM2.

NM_198904.4(GABRG2):c.787T>C (p.Ser263Pro)

Gene: GABRG2 (gamma-aminobutyric acid type A receptor subunit gamma2; plus strand). Cytogenetic location: 5q34.
Variant type: single nucleotide variant.
Coding change: c.787T>C on transcript NM_198904.4 (MANE Select); coding-DNA position 787, T replaced by C.
Protein change: p.Ser263Pro; replaces serine 263 with proline.
Molecular consequence: missense variant.
Genome position (GRCh38, 1-based): chr5:162,142,181, T>C. VCF-style: chr5-162142181-T-C. GRCh37 (hg19) VCF-style: chr5-161569187-T-C.
Other names: c.787T>C, p.Ser263Pro (NM_000816.3, NM_001375340.1); c.778T>C, p.Ser260Pro (NM_001375339.1); c.784T>C, p.Ser262Pro (NM_001375341.1, NM_001375342.1); c.907T>C, p.Ser303Pro (NM_001375343.1, NM_198903.2); c.826T>C, p.Ser276Pro (NM_001375344.1); c.721T>C, p.Ser241Pro (NM_001375345.1, NM_001375346.1); c.700T>C, p.Ser234Pro (NM_001375347.1); c.367T>C, p.Ser123Pro (NM_001375348.1, NM_001375350.1); and 1 more; short protein forms S168P, S276P, S123P, S241P, S260P, S262P, S263P, S303P.
Identifiers: ClinVar variation 931825 (VCV000931825.3), dbSNP rs1764617485, ClinGen allele CA362181978.